The following is an entry in ClinVar:

NM_004186.5(SEMA3F):c.113-10C>G

Gene: SEMA3F (semaphorin 3F; plus strand). Cytogenetic location: 3p21.31.
Variant type: single nucleotide variant.
Coding change: c.113-10C>G on transcript NM_004186.5 (MANE Select); 10 bases into the intron before coding-DNA position 113, C replaced by G.
Molecular consequence: intron variant.
Genome position (GRCh38, 1-based): chr3:50,173,783, C>G. VCF-style: chr3-50173783-C-G. GRCh37 (hg19) VCF-style: chr3-50211216-C-G.
Other names: c.-92-10C>G (NM_001318798.2); c.113-10C>G (NM_001318800.2).
Identifiers: ClinVar variation 3354300 (VCV003354300.1).

ClinVar aggregate classification (germline): Likely benign (0 of 4 stars; one submission).

Conditions:
SEMA3F-related disorder. Also called: SEMA3F-related condition.

gnomAD v4.1: 5 of 1,613,014 alleles (0.00031%); highest among the groups gnomAD compares: African/African-American, 0.004%; no homozygotes.

Submission:

PreventionGenetics, part of Exact Sciences
Classification: Likely benign for SEMA3F-related condition. Last evaluated: 2023-10-11. Review status: no assertion criteria provided. Collection method: clinical testing. Allele origin: germline.
Comment: This variant is classified as likely benign based on ACMG/AMP sequence variant interpretation guidelines (Richards et al. 2015 PMID: 25741868, with internal and published modifications).